The following is an entry in ClinVar:

ClinVar aggregate classification (germline): Uncertain significance (1 of 4 stars; one submission).

Conditions:
Hereditary cancer-predisposing syndrome. Also called: Hereditary neoplastic syndrome; Tumor predisposition; Neoplastic Syndromes, Hereditary; Hereditary Cancer Syndrome. Identifiers: Orphanet 140162, MedGen C0027672, MeSH D009386, MONDO:0015356.

Submission:

Labcorp Genetics (formerly Invitae), Labcorp
Classification: Uncertain significance for Hereditary cancer-predisposing syndrome. Last evaluated: 2019-07-26. Review status: criteria provided, single submitter. Criteria: Invitae Variant Classification Sherloc (09022015). Collection method: clinical testing. Allele origin: germline.
Comment: Algorithms developed to predict the effect of missense changes on protein structure and function are either unavailable or do not agree on the potential impact of this missense change (SIFT: "Deleterious"; PolyPhen-2: "Probably Damaging"; Align-GVGD: "Class C0"). This variant has not been reported in the literature in individuals with RAD50-related conditions. This variant is not present in population databases (ExAC no frequency). This sequence change replaces leucine with phenylalanine at codon 1245 of the RAD50 protein (p.Leu1245Phe). The leucine residue is moderately conserved and there is a small physicochemical difference between leucine and phenylalanine. In summary, the available evidence is currently insufficient to determine the role of this variant in disease. Therefore, it has been classified as a Variant of Uncertain Significance.

NM_005732.4(RAD50):c.3733C>T (p.Leu1245Phe)

Genes: TH2-LCR (Th2 cytokine locus control region; plus strand), RAD50 (RAD50 double strand break repair protein; plus strand), TH2LCRR (T helper type 2 locus control region associated RNA; minus strand). Cytogenetic location: 5q31.1.
Variant type: single nucleotide variant.
Coding change: c.3733C>T on transcript NM_005732.4 (MANE Select); coding-DNA position 3733, C replaced by T.
Protein change: p.Leu1245Phe; replaces leucine 1245 with phenylalanine.
Molecular consequence: missense variant.
Genome position (GRCh38, 1-based): chr5:132,640,786, C>T. VCF-style: chr5-132640786-C-T. GRCh37 (hg19) VCF-style: chr5-131976478-C-T.
Other names: short protein forms L1245F.
Identifiers: ClinVar variation 956054 (VCV000956054.10), dbSNP rs1554101201, ClinGen allele CA360934919.
Genomic context (GRCh38, chr5:132,640,786, plus strand): 5'-TGTGGCATCATTGCCTTGGATGAGCCAACAACAAATCTTGACCGAGAAAACATTGAATCT[C>T]TTGCACATGCTCTGGTTGAGTAAGTATCTCTTGCACATGCTCTGGTTGAGTAAGTATCTC-3'
Protein context (NP_005723.2, residues 1235-1255): TNLDRENIES[Leu1245Phe]AHALVEIIKS